The following is an entry in ClinVar:

ClinVar aggregate classification (germline): Uncertain significance. Review status: criteria provided, multiple submitters, no conflicts (2 of 4 stars). 3 submissions from 3 submitters: Uncertain significance (3). Last evaluated 2025-06-25.

Conditions:
Hereditary cancer-predisposing syndrome. Also called: Neoplastic Syndromes, Hereditary; Tumor predisposition; Hereditary neoplastic syndrome; Hereditary Cancer Syndrome. Identifiers: Orphanet 140162, MedGen C0027672, MeSH D009386, MONDO:0015356.

Allele frequency attached by ClinVar (database versions not stated): TOPMed below 0.00001; gnomAD 0.00001.
gnomAD v4.1: 6 of 1,613,660 alleles (0.00037%); highest among the groups gnomAD compares: African/African-American, 0.0027%; no homozygotes.

Submissions (3):

Labcorp Genetics (formerly Invitae), Labcorp
Classification: Uncertain significance. Last evaluated: 2025-06-25. Review status: criteria provided, single submitter. Criteria: Invitae Variant Classification Sherloc (09022015). Collection method: clinical testing. Allele origin: germline.
Comment: This sequence change replaces threonine, which is neutral and polar, with proline, which is neutral and non-polar, at codon 151 of the HOXB13 protein (p.Thr151Pro). This variant is not present in population databases (gnomAD no frequency). This variant has not been reported in the literature in individuals affected with HOXB13-related conditions. ClinVar contains an entry for this variant (Variation ID: 824965). Invitae Evidence Modeling of protein sequence and biophysical properties (such as structural, functional, and spatial information, amino acid conservation, physicochemical variation, residue mobility, and thermodynamic stability) indicates that this missense variant is not expected to disrupt HOXB13 protein function with a negative predictive value of 80%. In summary, the available evidence is currently insufficient to determine the role of this variant in disease. Therefore, it has been classified as a Variant of Uncertain Significance.

Ambry Genetics
Classification: Uncertain significance for Hereditary cancer-predisposing syndrome. Last evaluated: 2024-12-05. Review status: criteria provided, single submitter. Criteria: Ambry Variant Classification Scheme 2023. Collection method: clinical testing. Allele origin: germline.
Comment: The p.T151P variant (also known as c.451A>C), located in coding exon 1 of the HOXB13 gene, results from an A to C substitution at nucleotide position 451. The threonine at codon 151 is replaced by proline, an amino acid with highly similar properties. This amino acid position is well conserved in available vertebrate species. In addition, this alteration is predicted to be deleterious by in silico analysis. Since supporting evidence is limited at this time, the clinical significance of this alteration remains unclear.

GeneDx
Classification: Uncertain significance. Last evaluated: 2020-03-13. Review status: criteria provided, single submitter. Criteria: GeneDx Variant Classification Process June 2021. Collection method: clinical testing. Allele origin: germline. Affected: yes.
Comment: Not observed in large population cohorts (Lek et al., 2016); In silico analysis supports that this missense variant does not alter protein structure/function; Has not been previously published as pathogenic or benign to our knowledge

NM_006361.6(HOXB13):c.451A>C (p.Thr151Pro)

Gene: HOXB13 (homeobox B13; minus strand). Cytogenetic location: 17q21.32.
Variant type: single nucleotide variant.
Coding change: c.451A>C on transcript NM_006361.6 (MANE Select); coding-DNA position 451, A replaced by C.
Protein change: p.Thr151Pro; replaces threonine 151 with proline.
Molecular consequence: missense variant.
Genome position (GRCh38, 1-based): chr17:48,728,143, T>G on the plus strand (A>C on the coding strand, the complement: HOXB13 is on the minus strand). VCF-style: chr17-48728143-T-G. GRCh37 (hg19) VCF-style: chr17-46805505-T-G.
Other names: short protein forms T151P.
Identifiers: ClinVar variation 824965 (VCV000824965.13), dbSNP rs1193045144, ClinGen allele CA400107425.